The following is an entry in ClinVar:

NM_012123.4(MTO1):c.1616C>T (p.Thr539Ile)

Gene: MTO1 (mitochondrial tRNA translation optimization 1; plus strand). Cytogenetic location: 6q13.
Variant type: single nucleotide variant.
Coding change: c.1616C>T on transcript NM_012123.4 (MANE Select); coding-DNA position 1616, C replaced by T.
Protein change: p.Thr539Ile; replaces threonine 539 with isoleucine.
Molecular consequence: missense variant.
Genome position (GRCh38, 1-based): chr6:73,482,599, C>T. VCF-style: chr6-73482599-C-T. GRCh37 (hg19) VCF-style: chr6-74192322-C-T.
Other names: c.1736C>T, p.Thr579Ile (NM_001123226.2); c.1691C>T, p.Thr564Ile (NM_133645.3); c.1736C>T (NM_001123226.1); short protein forms T539I, T579I, T564I.
Identifiers: ClinVar variation 1505078 (VCV001505078.4), dbSNP rs770538630, ClinGen allele CA364717653.

ClinVar aggregate classification (germline): Conflicting classifications of pathogenicity. Review status: criteria provided, conflicting classifications (1 of 4 stars). 2 submissions from 2 submitters: Uncertain significance (1); Likely benign (1). Last evaluated 2025-04-07.

Conditions:
Inborn genetic diseases. Identifiers: MedGen C0950123, MeSH D030342.
Mitochondrial hypertrophic cardiomyopathy with lactic acidosis due to MTO1 deficiency. Also called: Combined oxidative phosphorylation deficiency 10; CARDIOMYOPATHY, INFANTILE HYPERTROPHIC MITOCHONDRIAL, AND LACTIC ACIDOSIS. Identifiers: Orphanet 314637, MedGen C4749921, MONDO:0013865, OMIM 614702.

Allele frequency attached by ClinVar (database versions not stated): gnomAD 0.00001.
gnomAD v4.1: 6 of 1,603,832 alleles (0.00037%); highest among the groups gnomAD compares: Admixed American, 0.0035%; no homozygotes.

Submissions (2):

Ambry Genetics
Classification: Likely benign for Inborn genetic diseases. Last evaluated: 2025-04-07. Review status: criteria provided, single submitter. Criteria: Ambry Variant Classification Scheme 2023. Collection method: clinical testing. Allele origin: germline.

Labcorp Genetics (formerly Invitae), Labcorp
Classification: Uncertain significance for Mitochondrial hypertrophic cardiomyopathy with lactic acidosis due to MTO1 deficiency. Last evaluated: 2021-12-02. Review status: criteria provided, single submitter. Criteria: Invitae Variant Classification Sherloc (09022015). Collection method: clinical testing. Allele origin: germline.
Comment: This sequence change replaces threonine, which is neutral and polar, with isoleucine, which is neutral and non-polar, at codon 539 of the MTO1 protein (p.Thr539Ile). This variant is present in population databases (no rsID available, gnomAD 0.1%). This variant has not been reported in the literature in individuals affected with MTO1-related conditions. Algorithms developed to predict the effect of missense changes on protein structure and function output the following: SIFT: "Tolerated"; PolyPhen-2: "Benign"; Align-GVGD: "Class C0". The isoleucine amino acid residue is found in multiple mammalian species, which suggests that this missense change does not adversely affect protein function. In summary, the available evidence is currently insufficient to determine the role of this variant in disease. Therefore, it has been classified as a Variant of Uncertain Significance.